The following is an entry in ClinVar:

ClinVar aggregate classification (germline): Uncertain significance. Review status: criteria provided, multiple submitters, no conflicts (2 of 4 stars). 2 submissions from 2 submitters: Uncertain significance (2). Last evaluated 2020-06-26.

Conditions:
Primary ciliary dyskinesia 5. Also called: CILIARY DYSKINESIA, PRIMARY, 5, WITHOUT SITUS INVERSUS. Identifiers: Orphanet 244, MedGen C1837615, MONDO:0012088, OMIM 608647.

Allele frequency attached by ClinVar (database versions not stated): gnomAD exomes 0.00004 and 0.00008; ExAC 0.00008; ESP Exome Variant Server 0.00015; 1000 Genomes Project 0.00020; 1000 Genomes Project 30x 0.00031; TOPMed 0.00032; gnomAD 0.00038 and 0.00042.

Submissions (2):

New York Genome Center
Classification: Uncertain significance for Primary ciliary dyskinesia 5. Last evaluated: 2020-06-26. Review status: criteria provided, single submitter. Criteria: NYGC Assertion Criteria 2020. Collection method: clinical testing. Allele origin: inherited. Observed: 1 compound heterozygote. Study: CSER-NYCKidSeq.
Comment: The inherited c.488G>A (p.Arg163Gln) variant identified in the HYDIN gene substitutes a conserved Arginine for Glutamine at amino acid 163/5122 (exon 5/86). This variant is found in 59 heterozygotes in gnomAD(v3.0) (0 homozygotes), with an allele frequency of 4.12e-4. In silico algorithms predict this variant to be Neutral (Provean; score:-1.56) and Tolerated (SIFT; score:0.137) to the function of the canonical transcript. This variant is absent from ClinVar and to our current knowledge has not been reported in affected individuals in the literature. The p.Arg163 residue is not within a mapped domain of HYDIN (UniProtKB:Q4G0P3). Given the lack of compelling evidence for its pathogenicity, the inherited c.488G>A (p.Arg163Gln) variant identified in the HYDIN gene is reported as a Variant of UncertainSignificance.

Breakthrough Genomics
Classification: Uncertain significance. Review status: criteria provided, single submitter. Criteria: ACMG Guidelines, 2015. Collection method: not provided. Allele origin: germline. Inheritance: Autosomal recessive inheritance. Affected: yes.

NM_001270974.2(HYDIN):c.488G>A (p.Arg163Gln)

Gene: HYDIN (HYDIN axonemal central pair apparatus protein; minus strand). Cytogenetic location: 16q22.2.
Variant type: single nucleotide variant.
Coding change: c.488G>A on transcript NM_001270974.2 (MANE Select); coding-DNA position 488, G replaced by A.
Protein change: p.Arg163Gln; replaces arginine 163 with glutamine.
Molecular consequence: missense variant.
Genome position (GRCh38, 1-based): chr16:71,175,635, C>T on the plus strand (G>A on the coding strand, the complement: HYDIN is on the minus strand). VCF-style: chr16-71175635-C-T. GRCh37 (hg19) VCF-style: chr16-71209538-C-T.
Other names: c.569G>A, p.Arg190Gln (NM_001198542.1); c.539G>A, p.Arg180Gln (NM_001198543.1); c.488G>A, p.Arg163Gln (NM_017558.5); short protein forms R163Q, R180Q, R190Q.
Identifiers: ClinVar variation 1184404 (VCV001184404.2), dbSNP rs201503269, ClinGen allele CA8151561.